The following is an entry in ClinVar:

ClinVar aggregate classification (germline): Pathogenic (1 of 4 stars; one submission).

Conditions:
Glycine encephalopathy. Also called: Nonketotic hyperglycinemia; Non-ketotic hyperglycinemia. Identifiers: Orphanet 407, MedGen C0751748, MONDO:0011612, HP:0008288.

Submission:

Labcorp Genetics (formerly Invitae), Labcorp
Classification: Pathogenic for Glycine encephalopathy. Last evaluated: 2023-11-13. Review status: criteria provided, single submitter. Criteria: Invitae Variant Classification Sherloc (09022015). Collection method: clinical testing. Allele origin: germline.
Comment: This sequence change inserts a large fragment of DNA, likely a transposable element, in exon 2 of the GLDC gene (c.331_332ins?), causing a frameshift at codon 111 (p.Val111fs). The exact size and sequence of the insertion cannot be determined by the current assay. However, the insertion is expected to result in an absent or disrupted protein product. This variant is not present in population databases (gnomAD no frequency). This variant has not been reported in the literature in individuals affected with GLDC-related conditions. Retrotransposon insertions including LINE1 (L1), Alu, and SVA (SINE-VNTR-Alu) have been reported to be disease-causing through disruption of either a coding region or splice site (PMID: 19763152, 20307669, 22406018) and loss-of-function variants in GLDC are known to be pathogenic (PMID: 16601880). For these reasons, this variant has been classified as Pathogenic.

Literature cited by the submitters: PubMed 19763152; PubMed 20307669; PubMed 22406018; PubMed 16601880.

NM_000170.3(GLDC):c.331_332insCCGGGCGCGGTGGCTCACGCCTGTAATCCCAGCACTTTGGGAGGCCGAGGCGGGCGGATCACGAGGTCNNNNNNNNNNAAAAAAAAAAAAAAAAAAAAGAAAATGGAAGACCCTG (p.Val111delinsAlaGlyArgGlyGlySerArgLeuTer)

Gene: GLDC (glycine decarboxylase; minus strand). Cytogenetic location: 9p24.1.
Variant type: Insertion.
Coding change: c.331_332insCCGGGCGCGGTGGCTCACGCCTGTAATCCCAGCACTTTGGGAGGCCGAGGCGGGCGGATCACGAGGTCNNNNNNNNNNAAAAAAAAAAAAAAAAAAAAGAAAATGGAAGACCCTG on transcript NM_000170.3 (MANE Select); coding-DNA positions 331 to 332, CCGGGCGCGGTGGCTCACGCCTGTAATCCCAGCACTTTGGGAGGCCGAGGCGGGCGGATCACGAGGTCNNNNNNNNNNAAAAAAAAAAAAAAAAAAAAGAAAATGGAAGACCCTG inserted.
Protein change: p.Val111delinsAlaGlyArgGlyGlySerArgLeuTer.
Molecular consequence: nonsense.
Genome position: GRCh38: chr9:6,644,633-6,644,634. GRCh37 (hg19): chr9:6,644,633-6,644,634.
Identifiers: ClinVar variation 2695608 (VCV002695608.3), dbSNP rs2489160558.